The following is an entry in ClinVar:

ClinVar aggregate classification (germline): Uncertain significance (1 of 4 stars; one submission).

Conditions:
Hereditary spastic paraplegia 28. Also called: Spastic paraplegia 28, autosomal recessive. Identifiers: Orphanet 101008, MedGen C1836295, MONDO:0012256, OMIM 609340.

Allele frequency attached by ClinVar (database versions not stated): TOPMed below 0.00001; gnomAD 0.00001; gnomAD exomes 0.00001; ExAC 0.00003.
gnomAD v4.1: 12 of 1,601,500 alleles (0.00075%); highest among the groups gnomAD compares: Admixed American, 0.017%; no homozygotes.

Submission:

Labcorp Genetics (formerly Invitae), Labcorp
Classification: Uncertain significance for Hereditary spastic paraplegia 28. Last evaluated: 2022-07-29. Review status: criteria provided, single submitter. Criteria: Invitae Variant Classification Sherloc (09022015). Collection method: clinical testing. Allele origin: germline.
Comment: In summary, the available evidence is currently insufficient to determine the role of this variant in disease. Therefore, it has been classified as a Variant of Uncertain Significance. Algorithms developed to predict the effect of missense changes on protein structure and function are either unavailable or do not agree on the potential impact of this missense change (SIFT: "Tolerated"; PolyPhen-2: "Probably Damaging"; Align-GVGD: "Class C0"). This variant has not been reported in the literature in individuals affected with DDHD1-related conditions. This variant is present in population databases (rs749434386, gnomAD 0.02%). This sequence change replaces threonine, which is neutral and polar, with isoleucine, which is neutral and non-polar, at codon 474 of the DDHD1 protein (p.Thr474Ile).

NM_001160148.2(DDHD1):c.1400C>T (p.Thr467Ile)

Gene: DDHD1 (DDHD domain containing 1; minus strand). Cytogenetic location: 14q22.1.
Variant type: single nucleotide variant.
Coding change: c.1400C>T on transcript NM_001160148.2 (MANE Select); coding-DNA position 1400, C replaced by T.
Protein change: p.Thr467Ile; replaces threonine 467 with isoleucine.
Molecular consequence: missense variant.
Genome position (GRCh38, 1-based): chr14:53,072,700, G>A on the plus strand (C>T on the coding strand, the complement: DDHD1 is on the minus strand). VCF-style: chr14-53072700-G-A. GRCh37 (hg19) VCF-style: chr14-53539418-G-A.
Other names: c.1421C>T, p.Thr474Ile (NM_001160147.2); c.1400C>T, p.Thr467Ile (NM_030637.3); short protein forms T474I, T467I.
Identifiers: ClinVar variation 2201457 (VCV002201457.4), dbSNP rs749434386, ClinGen allele CA7191234.